The following is an entry in ClinVar:

ClinVar aggregate classification (germline): Uncertain significance (1 of 4 stars; one submission).

Allele frequency attached by ClinVar (database versions not stated): gnomAD exomes below 0.00001.
gnomAD v4.1: 2 of 1,613,986 alleles (0.00012%); highest among the groups gnomAD compares: Non-Finnish European, 0.00017%; no homozygotes.

Submission:

Labcorp Genetics (formerly Invitae), Labcorp
Classification: Uncertain significance. Last evaluated: 2023-03-18. Review status: criteria provided, single submitter. Criteria: Invitae Variant Classification Sherloc (09022015). Collection method: clinical testing. Allele origin: germline.
Comment: In summary, the available evidence is currently insufficient to determine the role of this variant in disease. Therefore, it has been classified as a Variant of Uncertain Significance. Algorithms developed to predict the effect of sequence changes on RNA splicing suggest that this variant may create or strengthen a splice site. An algorithm developed to predict the effect of missense changes on protein structure and function (PolyPhen-2) suggests that this variant is likely to be tolerated. This variant has not been reported in the literature in individuals affected with A2ML1-related conditions. This variant is present in population databases (no rsID available, gnomAD 0.0009%). This sequence change replaces lysine, which is basic and polar, with glutamic acid, which is acidic and polar, at codon 1335 of the A2ML1 protein (p.Lys1335Glu).

NM_144670.6(A2ML1):c.4003A>G (p.Lys1335Glu)

Gene: A2ML1 (alpha-2-macroglobulin like 1; plus strand). Cytogenetic location: 12p13.31.
Variant type: single nucleotide variant.
Coding change: c.4003A>G on transcript NM_144670.6 (MANE Select); coding-DNA position 4003, A replaced by G.
Protein change: p.Lys1335Glu; replaces lysine 1335 with glutamic acid.
Molecular consequence: missense variant.
Genome position (GRCh38, 1-based): chr12:8,868,299, A>G. VCF-style: chr12-8868299-A-G. GRCh37 (hg19) VCF-style: chr12-9020895-A-G.
Other names: c.2530A>G, p.Lys844Glu (NM_001282424.3); short protein forms K844E, K1335E.
Identifiers: ClinVar variation 3016574 (VCV003016574.3), dbSNP rs1265497364, ClinGen allele CA383812703.